The following is an entry in ClinVar:

NM_032119.4(ADGRV1):c.17679T>C (p.Tyr5893=)

Gene: ADGRV1 (adhesion G protein-coupled receptor V1; plus strand). Cytogenetic location: 5q14.3.
Variant type: single nucleotide variant.
Coding change: c.17679T>C on transcript NM_032119.4 (MANE Select); coding-DNA position 17679, T replaced by C.
Protein change: p.Tyr5893=; no amino-acid change (tyrosine 5893 retained).
Molecular consequence: synonymous variant. On other transcripts: non-coding transcript variant (1).
Genome position (GRCh38, 1-based): chr5:90,855,825, T>C. VCF-style: chr5-90855825-T-C. GRCh37 (hg19) VCF-style: chr5-90151642-T-C.
Other names: c.17679T>C (NM_032119.3).
Identifiers: ClinVar variation 1657778 (VCV001657778.9), dbSNP rs972838002, ClinGen allele CA122810748.

ClinVar aggregate classification (germline): Likely benign. Review status: criteria provided, multiple submitters, no conflicts (2 of 4 stars). 2 submissions from 2 submitters: Likely benign (2). Last evaluated 2024-11-25.

Conditions:
ADGRV1-related disorder. Also called: ADGRV1-related disorders; ADGRV1-related condition.

Allele frequency attached by ClinVar (database versions not stated): gnomAD exomes below 0.00001; TOPMed 0.00001.
gnomAD v4.1: 4 of 1,612,548 alleles (0.00025%); highest among the groups gnomAD compares: Non-Finnish European, 0.00034%; no homozygotes.

Submissions (2):

PreventionGenetics, part of Exact Sciences
Classification: Likely benign for ADGRV1-related condition. Last evaluated: 2024-11-25. Review status: criteria provided, single submitter. Criteria: ACMG Guidelines, 2015. Collection method: clinical testing. Allele origin: germline.
Comment: This variant is classified as likely benign based on ACMG/AMP sequence variant interpretation guidelines (Richards et al. 2015 PMID: 25741868, with internal and published modifications).

Labcorp Genetics (formerly Invitae), Labcorp
Classification: Likely benign. Last evaluated: 2023-10-09. Review status: criteria provided, single submitter. Criteria: Invitae Variant Classification Sherloc (09022015). Collection method: clinical testing. Allele origin: germline.